The following is an entry in ClinVar:

NM_016341.4(PLCE1):c.6761G>A (p.Ser2254Asn)

Genes: NOC3L (NOC3 like DNA replication regulator; minus strand), PLCE1 (phospholipase C epsilon 1; plus strand). Cytogenetic location: 10q23.33.
Variant type: single nucleotide variant.
Coding change: c.6761G>A on transcript NM_016341.4 (MANE Select); coding-DNA position 6761, G replaced by A.
Protein change: p.Ser2254Asn; replaces serine 2254 with asparagine.
Molecular consequence: missense variant.
Genome position (GRCh38, 1-based): chr10:94,324,932, G>A. VCF-style: chr10-94324932-G-A. GRCh37 (hg19) VCF-style: chr10-96084689-G-A.
Other names: c.5837G>A, p.Ser1946Asn (NM_001165979.2); c.6713G>A, p.Ser2238Asn (NM_001288989.2); c.6761G>A (NM_016341.3); short protein forms S2238N, S1946N, S2254N.
Identifiers: ClinVar variation 2183468 (VCV002183468.2), dbSNP rs202032657, ClinGen allele CA5613663.

ClinVar aggregate classification (germline): Uncertain significance. Review status: criteria provided, multiple submitters, no conflicts (2 of 4 stars). 2 submissions from 2 submitters: Uncertain significance (2). Last evaluated 2022-07-26.

Conditions:
Inborn genetic diseases. Identifiers: MedGen C0950123, MeSH D030342.

Allele frequency attached by ClinVar (database versions not stated): gnomAD exomes 0.00002; ExAC 0.00006; gnomAD 0.00022; TOPMed 0.00023; ESP Exome Variant Server 0.00033; 1000 Genomes Project 0.00040; 1000 Genomes Project 30x 0.00047.
gnomAD v4.1: 74 of 1,614,182 alleles (0.0046%); highest among the groups gnomAD compares: African/African-American, 0.085%; no homozygotes.

Submissions (2):

Ambry Genetics
Classification: Uncertain significance for Inborn genetic diseases. Last evaluated: 2022-07-26. Review status: criteria provided, single submitter. Criteria: Ambry Variant Classification Scheme 2023. Collection method: clinical testing. Allele origin: germline.

Labcorp Genetics (formerly Invitae), Labcorp
Classification: Uncertain significance. Last evaluated: 2022-02-17. Review status: criteria provided, single submitter. Criteria: Invitae Variant Classification Sherloc (09022015). Collection method: clinical testing. Allele origin: germline.
Comment: This sequence change replaces serine, which is neutral and polar, with asparagine, which is neutral and polar, at codon 2254 of the PLCE1 protein (p.Ser2254Asn). This variant is present in population databases (rs202032657, gnomAD 0.09%). This variant has not been reported in the literature in individuals affected with PLCE1-related conditions. Algorithms developed to predict the effect of missense changes on protein structure and function output the following: SIFT: "Tolerated"; PolyPhen-2: "Benign"; Align-GVGD: "Class C0". The asparagine amino acid residue is found in multiple mammalian species, which suggests that this missense change does not adversely affect protein function. In summary, the available evidence is currently insufficient to determine the role of this variant in disease. Therefore, it has been classified as a Variant of Uncertain Significance.